The following is an entry in ClinVar:

NM_000541.5(SAG):c.786C>T (p.Pro262=)

Gene: SAG (S-antigen visual arrestin; plus strand). Cytogenetic location: 2q37.1.
Variant type: single nucleotide variant.
Coding change: c.786C>T on transcript NM_000541.5 (MANE Select); coding-DNA position 786, C replaced by T.
Protein change: p.Pro262=; no amino-acid change (proline 262 retained).
Molecular consequence: synonymous variant.
Genome position (GRCh38, 1-based): chr2:233,331,692, C>T. VCF-style: chr2-233331692-C-T. GRCh37 (hg19) VCF-style: chr2-234240338-C-T.
Other names: c.786C>T (NM_000541.4).
Identifiers: ClinVar variation 1083829 (VCV001083829.10), dbSNP rs565335757, ClinGen allele CA2174527.

ClinVar aggregate classification (germline): Likely benign. Review status: criteria provided, multiple submitters, no conflicts (2 of 4 stars). 2 submissions from 2 submitters: Likely benign (2). Last evaluated 2026-05-11.

Conditions:
SAG-related disorder. Also called: SAG-related disorders; SAG-related condition.

Allele frequency attached by ClinVar (database versions not stated): gnomAD exomes 0.00002 and 0.00005; ExAC 0.00005; 1000 Genomes Project 30x 0.00016; 1000 Genomes Project 0.00020.
gnomAD v4.1: 40 of 1,613,556 alleles (0.0025%); highest among the groups gnomAD compares: South Asian, 0.026%; no homozygotes.

Submissions (2):

PreventionGenetics, part of Exact Sciences
Classification: Likely benign for SAG-related condition. Last evaluated: 2026-05-11. Review status: criteria provided, single submitter. Criteria: ACMG Guidelines, 2015. Collection method: clinical testing. Allele origin: germline.
Comment: This variant is classified as likely benign based on ACMG/AMP sequence variant interpretation guidelines (Richards et al. 2015 PMID: 25741868, with internal and published modifications).

Labcorp Genetics (formerly Invitae), Labcorp
Classification: Likely benign. Last evaluated: 2025-11-13. Review status: criteria provided, single submitter. Criteria: Invitae Variant Classification Sherloc (09022015). Collection method: clinical testing. Allele origin: germline.